The following is an entry in ClinVar:

ClinVar aggregate classification (germline): Pathogenic (1 of 4 stars; one submission).

Submission:

Labcorp Genetics (formerly Invitae), Labcorp
Classification: Pathogenic. Last evaluated: 2023-07-28. Review status: criteria provided, single submitter. Criteria: Invitae Variant Classification Sherloc (09022015). Collection method: clinical testing. Allele origin: germline.
Comment: This sequence change creates a premature translational stop signal (p.Leu195Argfs*7) in the SLC26A4 gene. It is expected to result in an absent or disrupted protein product. Loss-of-function variants in SLC26A4 are known to be pathogenic (PMID: 16283880, 25394566, 26252218, 26445815). This variant is not present in population databases (gnomAD no frequency). This variant has not been reported in the literature in individuals affected with SLC26A4-related conditions. For these reasons, this variant has been classified as Pathogenic.

Literature cited by the submitters: PubMed 16283880; PubMed 25394566; PubMed 26252218; PubMed 26445815.

NM_000441.2(SLC26A4):c.584del (p.Leu195fs)

Gene: SLC26A4 (solute carrier family 26 member 4; plus strand). Cytogenetic location: 7q22.3.
Variant type: Deletion.
Coding change: c.584del on transcript NM_000441.2 (MANE Select); coding-DNA position 584, one base deleted (T; older notation c.584delT).
Protein change: p.Leu195fs; shifts the reading frame from leucine 195.
Molecular consequence: frameshift variant.
Genome position (GRCh38, 1-based): chr7:107,674,332, T deleted. VCF-style (leftmost placement, unchanged base first): chr7-107674331-CT-C. GRCh37 (hg19) VCF-style: chr7-107314776-CT-C.
Other names: short protein forms L195fs.
Identifiers: ClinVar variation 2747746 (VCV002747746.3), dbSNP rs2535296597, ClinGen allele CA2697557483.